The following is an entry in ClinVar:

NM_153033.5(KCTD7):c.64G>A (p.Asp22Asn)

Genes: KCTD7 (potassium channel tetramerization domain containing 7; plus strand), LOC129998533 (ATAC-STARR-seq lymphoblastoid silent region 18210; plus strand). Cytogenetic location: 7q11.21.
Variant type: single nucleotide variant.
Coding change: c.64G>A on transcript NM_153033.5 (MANE Select); coding-DNA position 64, G replaced by A.
Protein change: p.Asp22Asn; replaces aspartic acid 22 with asparagine.
Molecular consequence: missense variant.
Genome position (GRCh38, 1-based): chr7:66,629,128, G>A. VCF-style: chr7-66629128-G-A. GRCh37 (hg19) VCF-style: chr7-66094115-G-A.
Other names: c.64G>A, p.Asp22Asn (NM_001167961.2); short protein forms D22N.
Identifiers: ClinVar variation 1058725 (VCV001058725.9), dbSNP rs1390049689, ClinGen allele CA367695255.

ClinVar aggregate classification (germline): Uncertain significance (1 of 4 stars; one submission).

Conditions:
Progressive myoclonic epilepsy type 3. Also called: EPILEPSY, PROGRESSIVE MYOCLONIC, 3, WITH OR WITHOUT INTRACELLULAR INCLUSIONS; CEROID LIPOFUSCINOSIS, NEURONAL, 14; EPILEPSY, PROGRESSIVE MYOCLONIC, 3, WITHOUT INTRACELLULAR INCLUSIONS; KCTD7-Related Progressive Myoclonic Epilepsy. Identifiers: Orphanet 263516, MedGen C2673257, MONDO:0012721, OMIM 611726.

Allele frequency attached by ClinVar (database versions not stated): gnomAD exomes below 0.00001.
gnomAD v4.1: 1 of 1,536,840 alleles (0.000065%); highest among the groups gnomAD compares: Non-Finnish European, 0.000087%; no homozygotes.

Submission:

Labcorp Genetics (formerly Invitae), Labcorp
Classification: Uncertain significance for Progressive myoclonic epilepsy type 3. Last evaluated: 2022-07-25. Review status: criteria provided, single submitter. Criteria: Invitae Variant Classification Sherloc (09022015). Collection method: clinical testing. Allele origin: germline.
Comment: In summary, the available evidence is currently insufficient to determine the role of this variant in disease. Therefore, it has been classified as a Variant of Uncertain Significance. Algorithms developed to predict the effect of missense changes on protein structure and function are either unavailable or do not agree on the potential impact of this missense change (SIFT: "Deleterious"; PolyPhen-2: "Benign"; Align-GVGD: "Class C0"). ClinVar contains an entry for this variant (Variation ID: 1058725). This variant has not been reported in the literature in individuals affected with KCTD7-related conditions. This variant is not present in population databases (gnomAD no frequency). This sequence change replaces aspartic acid, which is acidic and polar, with asparagine, which is neutral and polar, at codon 22 of the KCTD7 protein (p.Asp22Asn).